The following is an entry in ClinVar:

NM_000535.7(PMS2):c.632G>C (p.Arg211Pro)

Gene: PMS2 (PMS1 homolog 2, mismatch repair system component; minus strand). Cytogenetic location: 7p22.1.
Variant type: single nucleotide variant.
Coding change: c.632G>C on transcript NM_000535.7 (MANE Select); coding-DNA position 632, G replaced by C.
Protein change: p.Arg211Pro; replaces arginine 211 with proline.
Molecular consequence: missense variant. On other transcripts: 5 prime UTR variant (2), non-coding transcript variant (1), intron variant (9).
Genome position (GRCh38, 1-based): chr7:5,999,181, C>G on the plus strand (G>C on the coding strand, the complement: PMS2 is on the minus strand). VCF-style: chr7-5999181-C-G. GRCh37 (hg19) VCF-style: chr7-6038812-C-G.
Other names: c.227G>C, p.Arg76Pro (NM_001018040.1, NM_001322003.2, NM_001322004.2 and 20 more transcripts); c.632G>C, p.Arg211Pro (NM_001322006.2, NM_001322014.2, NM_001406870.1 and 4 more transcripts); c.314G>C, p.Arg105Pro (NM_001322007.2, NM_001322008.2, NM_001406876.1 and 4 more transcripts); c.-302G>C (NM_001322011.2, NM_001322012.2); c.323G>C, p.Arg108Pro (NM_001322015.2, NM_001406875.1, NM_001406900.1 and 6 more transcripts); c.818G>C, p.Arg273Pro (NM_001406866.1); c.656G>C, p.Arg219Pro (NM_001406868.1); c.132+3272G>C (NM_001406911.1); and 6 more; short protein forms R211P, R76P, R219P, R99P, R108P, R273P, R105P.
Identifiers: ClinVar variation 2898126 (VCV002898126.5), dbSNP rs587781934, ClinGen allele CA366743948.

ClinVar aggregate classification (germline): Uncertain significance. Review status: criteria provided, multiple submitters, no conflicts (2 of 4 stars). 3 submissions from 3 submitters: Uncertain significance (3). Last evaluated 2026-07-06.

Conditions:
Lynch syndrome 4 (LYNCH4). Also called: Hereditary non-polyposis colorectal cancer, type 4; Colorectal cancer, hereditary nonpolyposis, type 4. Identifiers: Orphanet 144, MedGen C1838333, MONDO:0013699, OMIM 614337. Disease mechanism: loss of function.
Hereditary cancer-predisposing syndrome. Also called: Hereditary Cancer Syndrome; Hereditary neoplastic syndrome; Neoplastic Syndromes, Hereditary; Tumor predisposition. Identifiers: Orphanet 140162, MedGen C0027672, MeSH D009386, MONDO:0015356.
Hereditary nonpolyposis colorectal neoplasms. Identifiers: MedGen C0009405, MeSH D003123.

gnomAD v4.1: 1 of 1,614,028 alleles (0.000062%); highest among the groups gnomAD compares: Non-Finnish European, 0.000085%; no homozygotes.

Submissions (3):

Ambry Genetics
Classification: Uncertain significance for Hereditary cancer-predisposing syndrome. Last evaluated: 2026-07-06. Review status: criteria provided, single submitter. Criteria: Ambry Variant Classification Scheme 2023. Collection method: clinical testing. Allele origin: germline.
Comment: The p.R211P variant (also known as c.632G>C), located in coding exon 6 of the PMS2 gene, results from a G to C substitution at nucleotide position 632. The arginine at codon 211 is replaced by proline, an amino acid with dissimilar properties. This amino acid position is conserved. In addition, this alteration is predicted to be deleterious by in silico analysis. Based on the available evidence, the clinical significance of this variant remains unclear.

Molecular Pathology, Peter Maccallum Cancer Centre
Classification: Uncertain significance for Lynch syndrome 4. Last evaluated: 2025-01-06. Review status: criteria provided, single submitter. Criteria: ACMG Guidelines, 2015. Collection method: clinical testing. Allele origin: germline. Inheritance: Autosomal dominant inheritance.

Labcorp Genetics (formerly Invitae), Labcorp
Classification: Uncertain significance for Hereditary nonpolyposis colorectal neoplasms. Last evaluated: 2024-06-24. Review status: criteria provided, single submitter. Criteria: Invitae Variant Classification Sherloc (09022015). Collection method: clinical testing. Allele origin: germline.
Comment: This sequence change replaces arginine, which is basic and polar, with proline, which is neutral and non-polar, at codon 211 of the PMS2 protein (p.Arg211Pro). This variant is not present in population databases (gnomAD no frequency). This variant has not been reported in the literature in individuals affected with PMS2-related conditions. Advanced modeling of protein sequence and biophysical properties (such as structural, functional, and spatial information, amino acid conservation, physicochemical variation, residue mobility, and thermodynamic stability) performed at Invitae indicates that this missense variant is expected to disrupt PMS2 protein function with a positive predictive value of 80%. In summary, the available evidence is currently insufficient to determine the role of this variant in disease. Therefore, it has been classified as a Variant of Uncertain Significance.